The following is an entry in ClinVar:

NM_182961.4(SYNE1):c.1453A>G (p.Met485Val)

Gene: SYNE1 (spectrin repeat containing nuclear envelope protein 1; minus strand). Cytogenetic location: 6q25.2.
Variant type: single nucleotide variant.
Coding change: c.1453A>G on transcript NM_182961.4 (MANE Select); coding-DNA position 1453, A replaced by G.
Protein change: p.Met485Val; replaces methionine 485 with valine.
Molecular consequence: missense variant.
Genome position (GRCh38, 1-based): chr6:152,472,311, T>C on the plus strand (A>G on the coding strand, the complement: SYNE1 is on the minus strand). VCF-style: chr6-152472311-T-C. GRCh37 (hg19) VCF-style: chr6-152793446-T-C.
Other names: c.1474A>G, p.Met492Val (NM_033071.5); short protein forms M492V, M485V.
Identifiers: ClinVar variation 1032319 (VCV001032319.6), dbSNP rs767978898, ClinGen allele CA4059402.

ClinVar aggregate classification (germline): Uncertain significance. Review status: criteria provided, multiple submitters, no conflicts (2 of 4 stars). 4 submissions from 4 submitters: Uncertain significance (4). Last evaluated 2022-07-14.

Conditions:
Autosomal recessive ataxia, Beauce type. Also called: SYNE1-Related Autosomal Recessive Cerebellar Ataxia; Spinocerebellar ataxia, autosomal recessive 8; ATAXIA, RECESSIVE, OF BEAUCE; SYNE1 Deficiency. Identifiers: Orphanet 88644, MedGen C1853116, MONDO:0012549, OMIM 610743.
Emery-Dreifuss muscular dystrophy 4, autosomal dominant (EDMD4). Also called: EMERY-DREIFUSS MUSCULAR DYSTROPHY 4 WITH VARIABLE FEATURES. Identifiers: Orphanet 261, MedGen C2751807, MONDO:0013071, OMIM 612998.
Inborn genetic diseases. Identifiers: MedGen C0950123, MeSH D030342.

Allele frequency attached by ClinVar (database versions not stated): ExAC 0.00001; gnomAD exomes 0.00001 and 0.00002; gnomAD 0.00004; TOPMed 0.00004.
gnomAD v4.1: 31 of 1,613,182 alleles (0.0019%); highest among the groups gnomAD compares: Admixed American, 0.005%; no homozygotes.

Submissions (4):

Labcorp Genetics (formerly Invitae), Labcorp
Classification: Uncertain significance for Emery-Dreifuss muscular dystrophy 4, autosomal dominant; Autosomal recessive ataxia, Beauce type. Last evaluated: 2022-07-14. Review status: criteria provided, single submitter. Criteria: Invitae Variant Classification Sherloc (09022015). Collection method: clinical testing. Allele origin: germline.
Comment: In summary, the available evidence is currently insufficient to determine the role of this variant in disease. Therefore, it has been classified as a Variant of Uncertain Significance. Algorithms developed to predict the effect of missense changes on protein structure and function are either unavailable or do not agree on the potential impact of this missense change (SIFT: "Deleterious"; PolyPhen-2: "Possibly Damaging"; Align-GVGD: "Class C0"). ClinVar contains an entry for this variant (Variation ID: 1032319). This variant has not been reported in the literature in individuals affected with SYNE1-related conditions. This variant is present in population databases (rs767978898, gnomAD 0.04%). This sequence change replaces methionine, which is neutral and non-polar, with valine, which is neutral and non-polar, at codon 492 of the SYNE1 protein (p.Met492Val).

Ambry Genetics
Classification: Uncertain significance for Inborn genetic diseases. Last evaluated: 2021-11-09. Review status: criteria provided, single submitter. Criteria: Ambry Variant Classification Scheme 2023. Collection method: clinical testing. Allele origin: germline.

Blueprint Genetics
Classification: Uncertain significance. Last evaluated: 2021-03-03. Review status: criteria provided, single submitter. Criteria: ACMG Guidelines, 2015. Collection method: clinical testing. Allele origin: germline.

Baylor Genetics
Classification: Uncertain significance for Emery-Dreifuss muscular dystrophy 4, autosomal dominant. Last evaluated: 2018-03-22. Review status: criteria provided, single submitter. Criteria: ACMG Guidelines, 2015. Collection method: clinical testing. Allele origin: maternal. Affected: yes.
Comment: This variant was determined to be of uncertain significance according to ACMG Guidelines, 2015 [PMID:25741868].